The following is an entry in ClinVar:

NM_000052.7(ATP7A):c.47G>T (p.Gly16Val)

Gene: ATP7A (ATPase copper transporting alpha; plus strand). Cytogenetic location: Xq21.1.
Variant type: single nucleotide variant.
Coding change: c.47G>T on transcript NM_000052.7 (MANE Select); coding-DNA position 47, G replaced by T.
Protein change: p.Gly16Val; replaces glycine 16 with valine.
Molecular consequence: missense variant. On other transcripts: non-coding transcript variant (1).
Genome position (GRCh38, 1-based): chrX:77,971,688, G>T. VCF-style: chrX-77971688-G-T. GRCh37 (hg19) VCF-style: chrX-77227185-G-T.
Other names: c.47G>T, p.Gly16Val (NM_001282224.2); short protein forms G16V.
Identifiers: ClinVar variation 2673246 (VCV002673246.23), dbSNP rs2522252247, ClinGen allele CA413597704.
Genomic context (GRCh38, chrX:77,971,688, plus strand): 5'-ATGAGGAAATCAAAATGGATCCAAGTATGGGTGTGAATTCTGTTACCATTTCTGTTGAGG[G>T]TATGACTTGCAATTCCTGTGTTTGGACCATTGAGCAGCAGATTGGAAAAGTGAATGGTGT-3'
Protein context (NP_000043.4, residues 6-26): GVNSVTISVE[Gly16Val]MTCNSCVWTI

ClinVar aggregate classification (germline): Uncertain significance (1 of 4 stars; one submission).

Submission:

CeGaT Center for Human Genetics Tuebingen
Classification: Uncertain significance. Last evaluated: 2023-12-01. Review status: criteria provided, single submitter. Criteria: CeGaT Center For Human Genetics Tuebingen Variant Classification Criteria Version 2. Collection method: clinical testing. Allele origin: germline. Affected: yes. Observed: 1 variant allele.
Comment: ATP7A: PM2